The following continues an entry in ClinVar:

NC_012920.1(MT-ATP6):m.8993T>G

ClinVar aggregate classification (germline): Pathogenic. Pathogenic (1).

Submissions 9 to 27 of 27:

Illumina Laboratory Services, Illumina
Classification: Pathogenic for Mitochondrial disease. Last evaluated: 2023-03-15. Review status: criteria provided, single submitter. Criteria: ICSLVariantClassificationCriteria RUGD 01 April 2020. Collection method: clinical testing. Allele origin: unknown. Not counted in ClinVar's aggregate classification.
Comment: The MT-ATP6 c.467T>G (p.Leu156Arg) variant, also known as m.8993T>G variant, is a mitochondrial missense variant that results in the substitution of leucine at amino acid position 156 with arginine. Across a selection of the available literature, the c.467T>G variant has been identified in at least 16 unrelated individuals with primary mitochondrial disease (PMID: 2137962; PMID: 8250532; PMID: 9221962). Clinical features and onset of symptoms vary depending on the levels of heteroplasmy, with a direct correlation between levels of heteroplasmy and severity of symptoms. In general, affected individuals show 85-95% heteroplasmy in blood and other tissues. While the variant has been shown to segregate with the disorder in multiple families, there are several reports of the variant in a de novo state as well (PMID: 9221962; PMID: 27450679; PMID: 29602698). Another variant at the same amino acid position, c.467T>C (p.Leu156Pro), is also a well-known pathogenic variant for primary mitochondrial disease. The c.467T>G variant is not found in version 3.1.2 of the Genome Aggregation Database. Cybrid cell lines with this variant show ATP synthesis defects (PMID: 19875463). Based on the available evidence, the c.467T>G (p.Leu156Arg) variant is classified as pathogenic for primary mitochondrial disease.

Institute for Medical Genetics and Human Genetics, Charité - Universitätsmedizin Berlin
Classification: Pathogenic. Last evaluated: 2022-09-22. Review status: criteria provided, single submitter. Criteria: ACMG Guidelines, 2015. Collection method: clinical testing. Allele origin: germline. Inheritance: Mitochondrial inheritance. Affected: yes. Observed: 2 homozygotes. Clinical features observed: Hypotonia (HP:0001252), Motor delay (HP:0001270), Lactic acidosis (HP:0003128). Not counted in ClinVar's aggregate classification.

MGZ Medical Genetics Center
Classification: Pathogenic for Mitochondrial complex 5 (ATP synthase) deficiency, mitochondrial type 1. Last evaluated: 2022-07-18. Review status: criteria provided, single submitter. Criteria: ACMG Guidelines, 2015. Collection method: clinical testing. Allele origin: germline. Affected: yes. Observed: 2 variant alleles. Not counted in ClinVar's aggregate classification.
Comment: ACMG criteria applied: PS4, PM6_STR, PM5, PP1_MOD, PS3_SUP, PM2_SUP, PP3

Clinical Genetics Laboratory, Skane University Hospital Lund
Classification: Pathogenic. Last evaluated: 2022-05-27. Review status: criteria provided, single submitter. Criteria: ACMG Guidelines, 2015. Collection method: clinical testing. Allele origin: germline. Affected: yes. Not counted in ClinVar's aggregate classification.

Mendelics
Classification: Pathogenic for Leber optic atrophy. Last evaluated: 2022-05-04. Review status: criteria provided, single submitter. Criteria: Mendelics Assertion Criteria 2019. Collection method: clinical testing. Allele origin: germline. Not counted in ClinVar's aggregate classification.

Ocular Genomics Institute, Massachusetts Eye and Ear
Classification: Pathogenic for Rod-cone dystrophy. Last evaluated: 2021-04-08. Review status: criteria provided, single submitter. Criteria: ACMG Guidelines, 2015. Collection method: research. Allele origin: germline. Affected: yes. Not counted in ClinVar's aggregate classification.
Comment: Through a review of available evidence we were able to apply the following criteria: PS3, PS4, PP1. Based on this evidence we have classified this variant as Pathogenic.

Wong Mito Lab, Molecular and Human Genetics, Baylor College of Medicine
Classification: Pathogenic for NARP syndrome. Last evaluated: 2019-10-17. Review status: criteria provided, single submitter. Criteria: Modified ACMG Guidelines (Unpublished). Collection method: clinical testing. Allele origin: germline. Not counted in ClinVar's aggregate classification.
Comment: The NC_012920.1:m.8993T>G (YP_003024031.1:p.Leu156Arg) variant in MTATP6 gene is interpretated to be a Pathogenic variant based on the modified ACMG guidelines (unpublished). This variant meets the following evidence codes: PS1, PS3

ARUP Laboratories, Molecular Genetics and Genomics, ARUP Laboratories
Classification: Pathogenic. Last evaluated: 2018-05-24. Review status: criteria provided, single submitter. Criteria: ARUP Molecular Germline Variant Investigation Process. Collection method: clinical testing. Allele origin: germline. Not counted in ClinVar's aggregate classification.
Comment: The m.8993T>G affects the MT-ATP6 gene, and this well-studied variant accounts of the majority of patients diagnosed with Mitochondrial DNA (mtDNA)-associated Leigh syndrome and NARP (neurogenic muscle weakness, ataxia, and retinitis pigmentosa; see GeneReviews: NBK1173).

Baylor Genetics
Classification: Pathogenic for Ataxia. Last evaluated: 2014-11-06. Review status: criteria provided, single submitter. Criteria: Yang et al. 2013. Collection method: clinical testing. Allele origin: maternal. Inheritance: Mitochondrial inheritance. Affected: yes. Study: Adult_WES. Not counted in ClinVar's aggregate classification.

Center for Pediatric Genomic Medicine, Children's Mercy Hospital and Clinics
Classification: Pathogenic. Last evaluated: 2014-07-15. Review status: criteria provided, single submitter. Criteria: ACMG Guidelines, 2015. Collection method: clinical testing. Allele origin: germline. Not counted in ClinVar's aggregate classification.

Centre for Mendelian Genomics, University Medical Centre Ljubljana
Classification: Pathogenic for Bilateral cleft palate; Camptodactyly of finger; Hypertelorism; Low-set ears; Postaxial hand polydactyly; Premature birth; Small scrotum; Wide intermamillary distance. Last evaluated: 2014-04-09. Review status: criteria provided, single submitter. Criteria: ACMG Guidelines, 2015. Collection method: clinical testing. Allele origin: unknown. Affected: yes. Not counted in ClinVar's aggregate classification.

Genomics England Pilot Project, Genomics England
Classification: Likely pathogenic for Leber optic atrophy. Review status: criteria provided, single submitter. Criteria: ACGS Guidelines, 2016. Collection method: clinical testing. Allele origin: germline. Affected: yes. Not counted in ClinVar's aggregate classification.

Kids Research, The Children's Hospital at Westmead
Classification: Pathogenic for Mitochondrial complex 5 (ATP synthase) deficiency, mitochondrial type 1. Review status: criteria provided, single submitter. Criteria: ACMG Guidelines, 2015. Collection method: research. Allele origin: de novo. Inheritance: Sporadic. Affected: yes. Not counted in ClinVar's aggregate classification.

Solve-RD Consortium
Classification: Likely pathogenic for NARP syndrome. Last evaluated: 2022-06-01. Review status: no assertion criteria provided. Collection method: provider interpretation. Allele origin: maternal. Affected: yes. Not counted in ClinVar's aggregate classification.
Comment: Variant confirmed as disease-causing by referring clinical team

Variant identified during reanalysis of unsolved cases by the Solve-RD project. The Solve-RD project has received funding from the European Union’s Horizon 2020 research and innovation programme under grant agreement No 779257.

Mitochondrial Research Group, Newcastle University
Classification: Pathogenic for Mitochondrial disease. Last evaluated: 2017-05-22. Review status: no assertion criteria provided. Collection method: clinical testing. Allele origin: germline. Affected: yes. Observed: 1 variant allele. Not counted in ClinVar's aggregate classification.

Centre for Mendelian Genomics, University Medical Centre Ljubljana
Classification: Pathogenic for Leigh syndrome. Last evaluated: 2016-09-29. Review status: no assertion criteria provided. Collection method: clinical testing. Allele origin: unknown. Affected: yes. Not counted in ClinVar's aggregate classification.

OMIM
Classification: Pathogenic for MITOCHONDRIAL COMPLEX V (ATP SYNTHASE) DEFICIENCY, MITOCHONDRIAL TYPE 1. Last evaluated: 2009-08-01. Review status: no assertion criteria provided. Collection method: literature only. Allele origin: germline. Not counted in ClinVar's aggregate classification.

OMIM
Classification: Pathogenic for NARP SYNDROME. Last evaluated: 2009-08-01. Review status: no assertion criteria provided. Collection method: literature only. Allele origin: germline. Not counted in ClinVar's aggregate classification.

GeneReviews
No classification provided. Condition: Leigh syndrome. Review status: no classification provided. Collection method: literature only. Allele origin: germline. Not counted in ClinVar's aggregate classification.

Literature cited by the submitters: PubMed 20301352 (cited by 3billion and Department of Molecular Genetics, Istishari Arab Hospital); PubMed 27015314 (cited by 3billion and Department of Molecular Genetics, Istishari Arab Hospital); PubMed 26633545 (cited by 3 submitters); PubMed 8250532 (cited by 4 submitters); PubMed 8505474 (cited by Variantyx, Inc.); PubMed 9221962 (cited by Variantyx, Inc. and Illumina Laboratory Services, Illumina); PubMed 10208283 (cited by Variantyx, Inc.); PubMed 16525806 (cited by Variantyx, Inc.); PubMed 10660580 (cited by 3 submitters); PubMed 33717984 (cited by Variantyx, Inc.); PubMed 34829316 (cited by Variantyx, Inc.); PubMed 37038312 (cited by Variantyx, Inc.); PubMed 8078883 (cited by Variantyx, Inc.); PubMed 14998933 (cited by 3 submitters); PubMed 19875463 (cited by Variantyx, Inc. and Illumina Laboratory Services, Illumina); PubMed 2137962 (cited by 3 submitters); PubMed 1550128 (cited by 3 submitters); PubMed 27450679 (cited by Illumina Laboratory Services, Illumina); PubMed 29602698 (cited by Illumina Laboratory Services, Illumina); PubMed 1539598 (cited by 3 submitters); PubMed 32313153 (cited by Ocular Genomics Institute, Massachusetts Eye and Ear and Kids Research, The Children's Hospital at Westmead); PubMed 9329425 (cited by Ocular Genomics Institute, Massachusetts Eye and Ear and OMIM); PubMed 9883875 (cited by Ocular Genomics Institute, Massachusetts Eye and Ear and OMIM); PubMed 11076946 (cited by Ocular Genomics Institute, Massachusetts Eye and Ear and OMIM); PubMed 11371515 (cited by Ocular Genomics Institute, Massachusetts Eye and Ear and OMIM); PubMed 11730668 (cited by Ocular Genomics Institute, Massachusetts Eye and Ear and OMIM); PubMed 11843698 (cited by Ocular Genomics Institute, Massachusetts Eye and Ear and OMIM); PubMed 8095070 (cited by Wong Mito Lab, Molecular and Human Genetics, Baylor College of Medicine and OMIM); PubMed 39825153 (cited by Solve-RD Consortium); PubMed 1436530 (cited by OMIM); PubMed 8042671 (cited by OMIM); PubMed 8395787 (cited by OMIM); PubMed 9199572 (cited by OMIM); PubMed 9556461 (cited by OMIM); PubMed 10590437 (cited by OMIM); PubMed 10676807 (cited by OMIM); PubMed 10889120 (cited by OMIM); PubMed 11925565 (cited by OMIM); PubMed 11751691 (cited by OMIM); PubMed 17452590 (cited by OMIM); PubMed 19667215 (cited by OMIM); NCBI Bookshelf NBK1173 (cited by GeneReviews).